The following is an entry in ClinVar:

NM_001100.4(ACTA1):c.668T>C (p.Leu223Pro)

Gene: ACTA1 (actin alpha 1, skeletal muscle; minus strand). Cytogenetic location: 1q42.13.
Variant type: single nucleotide variant.
Coding change: c.668T>C on transcript NM_001100.4 (MANE Select); coding-DNA position 668, T replaced by C.
Protein change: p.Leu223Pro; replaces leucine 223 with proline.
Molecular consequence: missense variant.
Genome position (GRCh38, 1-based): chr1:229,432,134, A>G on the plus strand (T>C on the coding strand, the complement: ACTA1 is on the minus strand). VCF-style: chr1-229432134-A-G. GRCh37 (hg19) VCF-style: chr1-229567881-A-G.
Other names: L221P; NM_001100.4(ACTA1):c.668T>C; short protein forms L223P.
Identifiers: ClinVar variation 18290 (VCV000018290.14), dbSNP rs121909530, ClinGen allele CA341497.
Genomic context (GRCh38, chr1:229,432,134, plus strand): 5'-TCGTAGCTCTTTTCCAGGGAGGAGGAGGAGGCGGCCGTCGCCATCTCGTTCTCGAAGTCC[A>G]GGGCCACGTAGCACAGCTTCTCCTTGATGTCGCGCACGATCTCGCGCTCAGCTGCGGAGG-3'
Protein context (NP_001091.1, residues 213-233): DIKEKLCYVA[Leu223Pro]DFENEMATAA

ClinVar aggregate classification (germline): Likely pathogenic. Review status: reviewed by expert panel (3 of 4 stars). 5 submissions from 5 submitters: Likely pathogenic (1). 4 of the submissions do not count toward it. Last evaluated 2026-07-13.

Conditions:
Congenital myopathy 2c, severe infantile, autosomal dominant (CMYO2C). Identifiers: MedGen C5830333, MONDO:0859523, OMIM 620278.
Alpha-actinopathy. Also called: Actinopathy. Identifiers: MedGen CN295279, MONDO:0100084.
Actin accumulation myopathy (CMYO2A). Also called: Nemaline myopathy type 3; Myopathy, actin, congenital, with excess of thin myofilaments; CONGENITAL MYOPATHY 2A, TYPICAL, AUTOSOMAL DOMINANT; Myopathy, actin, congenital, with cores; Nemaline myopathy 3, with intranuclear rods. Identifiers: Orphanet 98904, MedGen C3711389, MONDO:0008070, OMIM 161800.
Congenital myopathy with fiber type disproportion. Also called: Congenital fiber-type disproportion myopathy; Congenital fiber-type disproportion. Identifiers: Orphanet 2020, MedGen C0546264, MONDO:0009711. Inheritance: all.

Submissions (5):

ClinGen Congenital Myopathies Variant Curation Expert Panel, ClinGen
Classification: Likely pathogenic for Alpha-actinopathy. Last evaluated: 2026-07-13. Review status: reviewed by expert panel. Criteria: ClinGen CongenMyopathy ACMG Specifications ACTA1_AD_ V2.0.0. Collection method: curation. Allele origin: germline. Inheritance: Autosomal dominant inheritance.
Comment: The NM_001100.4(ACTA1):c.668T>C variant in ACTA1 is a missense variant predicted to cause substitution of leucine by proline at amino acid 223 (p.Leu223Pro). This variant is absent from gnomAD v4.1 (PM2_Supporting). The computational predictor REVEL gives a score of 0.944, which is above the threshold of ≥ 0.7, evidence that correlates with impact to ACTA1 function (PP3). ACTA1, in which the variant was identified, is defined by the ClinGen Congenital Myopathies VCEP as a gene that has a low rate of benign missense variation and where pathogenic missense variants are a common mechanism of disease (PP2). This variant has been observed in the heterozygous state in at least five individuals with features of congenital myopathies, of which two were de novo with unconfirmed parental relationships (PS4_Supporting, PM6; PMID: 15468086, 24642510, 38093364, 34671977, 20179953). Immunological staining of NIH3T3 fibroblasts showed phalloidin negative nemaline rods and aggregates in the cytoplasm diffuse cytoplasmic myc-actin staining indicating that this variant impacts protein function (PS3_Supporting; PMID: 19206168). In summary, this variant meets the criteria to be classified as likely pathogenic for autosomal dominant alpha-actinopathy based on the ACMG/AMP criteria applied, as specified by the ClinGen Congenital Myopathies VCEP: PM2_Supporting, PP3, PP2, PS4_Supporting, PM6, PS3_Supporting (ClinGen Congenital Myopathies VCEP specifications version 2.0)

Labcorp Genetics (formerly Invitae), Labcorp
Classification: Likely pathogenic for Actin accumulation myopathy. Last evaluated: 2025-05-16. Review status: criteria provided, single submitter. Criteria: Invitae Variant Classification Sherloc (09022015). Collection method: clinical testing. Allele origin: germline. Not counted in ClinVar's aggregate classification.
Comment: This sequence change replaces leucine, which is neutral and non-polar, with proline, which is neutral and non-polar, at codon 223 of the ACTA1 protein (p.Leu223Pro). This variant is not present in population databases (gnomAD no frequency). This missense change has been observed in individual(s) with congenital fibre type disproportion and/or congenital myopathy (PMID: 15468086, 38093364). In at least one individual the variant was observed to be de novo. This variant is also known as p.Leu221Pro. ClinVar contains an entry for this variant (Variation ID: 18290). Invitae Evidence Modeling of protein sequence and biophysical properties (such as structural, functional, and spatial information, amino acid conservation, physicochemical variation, residue mobility, and thermodynamic stability) indicates that this missense variant is not expected to disrupt ACTA1 protein function with a negative predictive value of 80%. Experimental studies have shown that this missense change affects ACTA1 function (PMID: 19206168). In summary, the currently available evidence indicates that the variant is pathogenic, but additional data are needed to prove that conclusively. Therefore, this variant has been classified as Likely Pathogenic.

Institute of Human Genetics, University of Leipzig Medical Center
Classification: Likely pathogenic for Congenital myopathy 4A, autosomal dominant. Last evaluated: 2021-01-12. Review status: criteria provided, single submitter. Criteria: ACMG Guidelines, 2015. Collection method: clinical testing. Allele origin: unknown. Affected: yes. Not counted in ClinVar's aggregate classification.

OMIM
Classification: Pathogenic for CONGENITAL MYOPATHY 2C, SEVERE INFANTILE, AUTOSOMAL DOMINANT. Last evaluated: 2004-11-01. Review status: no assertion criteria provided. Collection method: literature only. Allele origin: germline. Not counted in ClinVar's aggregate classification.

GeneReviews
No classification provided. Condition: Congenital myopathy with fiber type disproportion. Review status: no classification provided. Collection method: literature only. Allele origin: unknown. Not counted in ClinVar's aggregate classification.

Literature cited by the submitters: PubMed 15468086 (cited by 3 submitters); PubMed 38093364 (cited by Labcorp Genetics (formerly Invitae), Labcorp); PubMed 19206168 (cited by Labcorp Genetics (formerly Invitae), Labcorp); PubMed 20301436 (cited by GeneReviews); NCBI Bookshelf NBK1259 (cited by GeneReviews).